The following is an entry in ClinVar:

ClinVar aggregate classification (germline): Uncertain significance. Review status: criteria provided, multiple submitters, no conflicts (2 of 4 stars). 2 submissions from 2 submitters: Uncertain significance (2). Last evaluated 2026-02-09.

Conditions:
Neonatal encephalomyopathy-cardiomyopathy-respiratory distress syndrome. Also called: Coenzyme Q10 deficiency, primary, 7. Identifiers: Orphanet 457185, MedGen C5568562, MONDO:0014562, OMIM 616276.

Submissions (2):

Dasa
Classification: Uncertain significance. Last evaluated: 2026-02-09. Review status: criteria provided, single submitter. Criteria: DASA Assertion Criteria. Collection method: clinical testing. Allele origin: germline.
Comment: NM_016035.5(COQ4):c.202+4A>G is a splice-region variant predicted to affect normal RNA splicing. This variant has been reported in individuals with COQ4-related disorders (PMID: 38673663). Also, this variant is absent from population databases. Computational prediction algorithms are consistent with a deleterious effect. The currently available literature and clinical evidence are not sufficient to establish a definitive association between this variant and the reported condition. Therefore, this variant is classified as a variant of uncertain significance.

Labcorp Genetics (formerly Invitae), Labcorp
Classification: Uncertain significance for Neonatal encephalomyopathy-cardiomyopathy-respiratory distress syndrome. Last evaluated: 2022-10-17. Review status: criteria provided, single submitter. Criteria: Invitae Variant Classification Sherloc (09022015). Collection method: clinical testing. Allele origin: germline.
Comment: In summary, the available evidence is currently insufficient to determine the role of this variant in disease. Therefore, it has been classified as a Variant of Uncertain Significance. Variants that disrupt the consensus splice site are a relatively common cause of aberrant splicing (PMID: 17576681, 9536098). Algorithms developed to predict the effect of sequence changes on RNA splicing suggest that this variant is not likely to affect RNA splicing. This variant has not been reported in the literature in individuals affected with COQ4-related conditions. This variant is not present in population databases (gnomAD no frequency). This sequence change falls in intron 2 of the COQ4 gene. It does not directly change the encoded amino acid sequence of the COQ4 protein. It affects a nucleotide within the consensus splice site.

Literature cited by the submitters: PubMed 38673663 (cited by Dasa); PubMed 17576681 (cited by Labcorp Genetics (formerly Invitae), Labcorp); PubMed 9536098 (cited by Labcorp Genetics (formerly Invitae), Labcorp).

NM_016035.5(COQ4):c.202+4A>G

Gene: COQ4 (coenzyme Q4; plus strand). Cytogenetic location: 9q34.11.
Variant type: single nucleotide variant.
Coding change: c.202+4A>G on transcript NM_016035.5 (MANE Select); 4 bases into the intron after coding-DNA position 202, A replaced by G.
Molecular consequence: intron variant.
Genome position (GRCh38, 1-based): chr9:128,323,151, A>G. VCF-style: chr9-128323151-A-G. GRCh37 (hg19) VCF-style: chr9-131085430-A-G.
Other names: c.202+4A>G (NM_001305942.2).
Identifiers: ClinVar variation 1976871 (VCV001976871.7), dbSNP rs777821562, ClinGen allele CA375017755.